The following is an entry in ClinVar:

ClinVar aggregate classification (germline): Likely pathogenic (1 of 4 stars; one submission).

Conditions:
Autosomal recessive optic atrophy. Identifiers: Orphanet 98676, MedGen C5680331, MONDO:0014753.

Submission:

DBGen Ocular Genomics
Classification: Likely pathogenic for Autosomal recessive optic atrophy. Last evaluated: 2021-01-01. Review status: criteria provided, single submitter. Criteria: ACMG Guidelines, 2015. Collection method: clinical testing. Allele origin: inherited. Inheritance: Autosomal recessive inheritance. Affected: yes.
Comment: Class 4 ACMG Guidelines, 2015 (PMID:25741868)

NM_000180.4(GUCY2D):c.2180G>A (p.Gly727Asp)

Gene: GUCY2D (guanylate cyclase 2D, retinal; plus strand). Cytogenetic location: 17p13.1.
Variant type: single nucleotide variant.
Coding change: c.2180G>A on transcript NM_000180.4 (MANE Select); coding-DNA position 2180, G replaced by A.
Protein change: p.Gly727Asp; replaces glycine 727 with aspartic acid.
Molecular consequence: missense variant.
Genome position (GRCh38, 1-based): chr17:8,013,169, G>A. VCF-style: chr17-8013169-G-A. GRCh37 (hg19) VCF-style: chr17-7916487-G-A.
Other names: short protein forms G727D.
Identifiers: ClinVar variation 2628038 (VCV002628038.2), dbSNP rs2545424818, ClinGen allele CA397952861.